The following is an entry in ClinVar:

ClinVar aggregate classification (germline): Conflicting classifications of pathogenicity. Review status: criteria provided, conflicting classifications (1 of 4 stars). 2 submissions from 2 submitters: Uncertain significance (1); Likely benign (1). Last evaluated 2026-04-19.

Conditions:
Inborn genetic diseases. Identifiers: MedGen C0950123, MeSH D030342.

Submissions (2):

Ambry Genetics
Classification: Likely benign for Inborn genetic diseases. Last evaluated: 2026-04-19. Review status: criteria provided, single submitter. Criteria: Ambry Variant Classification Scheme 2023. Collection method: clinical testing. Allele origin: germline.

GeneDx
Classification: Uncertain significance. Last evaluated: 2023-10-30. Review status: criteria provided, single submitter. Criteria: GeneDx Variant Classification Process June 2021. Collection method: clinical testing. Allele origin: germline. Affected: yes.
Comment: Not observed at significant frequency in large population cohorts (gnomAD); In silico analysis supports that this missense variant does not alter protein structure/function; Has not been previously published as pathogenic or benign to our knowledge

NM_152703.5(SAMD9L):c.3572T>C (p.Met1191Thr)

Gene: SAMD9L (sterile alpha motif domain containing 9 like; minus strand). Cytogenetic location: 7q21.2.
Variant type: single nucleotide variant.
Coding change: c.3572T>C on transcript NM_152703.5 (MANE Select); coding-DNA position 3572, T replaced by C.
Protein change: p.Met1191Thr; replaces methionine 1191 with threonine.
Molecular consequence: missense variant.
Genome position (GRCh38, 1-based): chr7:93,132,400, A>G on the plus strand (T>C on the coding strand, the complement: SAMD9L is on the minus strand). VCF-style: chr7-93132400-A-G. GRCh37 (hg19) VCF-style: chr7-92761713-A-G.
Other names: c.3572T>C (NM_152703.2); c.3572T>C, p.Met1191Thr (NM_001303496.3, NM_001303497.3, NM_001303498.3 and 5 more transcripts); short protein forms M1191T.
Identifiers: ClinVar variation 3363692 (VCV003363692.2).
Genomic context (GRCh38, chr7:93,132,400, plus strand): 5'-AGAATCTGGATAGTGTAAAGACCAACTTCTATTTCACCCAAGAAACAAGCTGTGTTATAC[A>G]TGTCATATCGTCTCTGGGACTTCTGTGGTGACCAGTTCTCGGTTTCATAGTTTTTACTAT-3'
Protein context (NP_689916.2, residues 1181-1201): SPQKSQRRYD[Met1191Thr]YNTACFLGEI